The following is an entry in ClinVar:

ClinVar aggregate classification (germline): Uncertain significance (1 of 4 stars; one submission).

Submission:

Labcorp Genetics (formerly Invitae), Labcorp
Classification: Uncertain significance. Last evaluated: 2022-08-16. Review status: criteria provided, single submitter. Criteria: Invitae Variant Classification Sherloc (09022015). Collection method: clinical testing. Allele origin: germline.
Comment: This variant has not been reported in the literature in individuals affected with CLCN7-related conditions. This variant is not present in population databases (gnomAD no frequency). This sequence change falls in intron 22 of the CLCN7 gene. It does not directly change the encoded amino acid sequence of the CLCN7 protein. It affects a nucleotide within the consensus splice site. In summary, the available evidence is currently insufficient to determine the role of this variant in disease. Therefore, it has been classified as a Variant of Uncertain Significance. Variants that disrupt the consensus splice site are a relatively common cause of aberrant splicing (PMID: 17576681, 9536098). Algorithms developed to predict the effect of sequence changes on RNA splicing suggest that this variant is not likely to affect RNA splicing. ClinVar contains an entry for this variant (Variation ID: 1464383).

Literature cited by the submitters: PubMed 17576681; PubMed 9536098.

NM_001287.6(CLCN7):c.2073+5G>C

Gene: CLCN7 (chloride voltage-gated channel 7; minus strand). Cytogenetic location: 16p13.3.
Variant type: single nucleotide variant.
Coding change: c.2073+5G>C on transcript NM_001287.6 (MANE Select); 5 bases into the intron after coding-DNA position 2073, G replaced by C.
Molecular consequence: intron variant.
Genome position (GRCh38, 1-based): chr16:1,447,650, C>G on the plus strand (G>C on the coding strand, the complement: CLCN7 is on the minus strand). VCF-style: chr16-1447650-C-G. GRCh37 (hg19) VCF-style: chr16-1497651-C-G.
Other names: c.2001+5G>C (NM_001114331.3).
Identifiers: ClinVar variation 1464383 (VCV001464383.6), dbSNP rs1359861948, ClinGen allele CA2573151724.
Genomic context (GRCh38, chr16:1,447,650, plus strand): 5'-GTCAGGCACCCAGGCAGCACCCCCGGGGCCCCCACCCGCCCAATGGCCCGGAGCCTGGCA[C>G]GCACCTTGTGCTTTAGGAGAACGATGAGCTGGGAGCGCAGGATCAGGCCCTGGAGCCGGG-3'